The following is an entry in ClinVar:

ClinVar aggregate classification (germline): Benign (1 of 4 stars; one submission).

Allele frequency attached by ClinVar (database versions not stated): 1000 Genomes Project 0.00459; gnomAD exomes 0.01498; ExAC 0.04104.

Submission:

CeGaT Center for Human Genetics Tuebingen
Classification: Benign. Last evaluated: 2024-08-01. Review status: criteria provided, single submitter. Criteria: CeGaT Center For Human Genetics Tuebingen Variant Classification Criteria Version 2. Collection method: clinical testing. Allele origin: germline. Affected: yes. Observed: 3 variant alleles.
Comment: HYDIN: BP4, BP7, BS1, BS2

NM_001270974.2(HYDIN):c.3954G>A (p.Gln1318=)

Gene: HYDIN (HYDIN axonemal central pair apparatus protein; minus strand). Cytogenetic location: 16q22.2.
Variant type: single nucleotide variant.
Coding change: c.3954G>A on transcript NM_001270974.2 (MANE Select); coding-DNA position 3954, G replaced by A.
Protein change: p.Gln1318=; no amino-acid change (glutamine 1318 retained).
Molecular consequence: synonymous variant.
Genome position (GRCh38, 1-based): chr16:70,988,423, C>T on the plus strand (G>A on the coding strand, the complement: HYDIN is on the minus strand). VCF-style: chr16-70988423-C-T. GRCh37 (hg19) VCF-style: chr16-71022326-C-T.
Identifiers: ClinVar variation 2646778 (VCV002646778.24), dbSNP rs201619474, ClinGen allele CA8150800.
Genomic context (GRCh38, chr16:70,988,423, plus strand): 5'-TAAGGTCAGGAATCACACGGTGTCACTTACTTCTTCTATCCCAATGGAAAGCATCTCATT[C>T]TGTTCACAGGTCTGTAGGGATTCCTGATCCTCCACCTGGCTCTGGCTTGAGTATATTCTT-3'
Protein context (NP_001257903.1, residues 1308-1328): EDQESLQTCE[Gln1318=]NEMLSIGIEE